The following is an entry in ClinVar:

ClinVar aggregate classification (germline): Likely pathogenic (1 of 4 stars; one submission).

Conditions:
Sandhoff disease. Also called: Beta-hexosaminidase-beta-subunit deficiency; GM2 gangliosidosis, type 2; Total hexosaminidase deficiency; Sandhoff-Jatzkewitz-Pilz disease; GM2-GANGLIOSIDOSIS, TYPE II; HEXOSAMINIDASES A AND B DEFICIENCY. Identifiers: Orphanet 796, MedGen C0036161, MONDO:0010006, OMIM 268800.

Submission:

Myriad Genetics, Inc.
Classification: Likely pathogenic for Sandhoff disease. Last evaluated: 2026-07-10. Review status: criteria provided, single submitter. Criteria: Myriad Autosomal Dominant, Autosomal Recessive and X-Linked Classification Criteria (2023). Collection method: clinical testing. Allele origin: unknown.
Comment: NM_000521.3(HEXB):c.299+2T>C is a variant in a canonical splice site classified as likely pathogenic in the context of Sandhoff disease. c.299+2T>C has not been observed in cases with relevant disease. Relevant functional assessments of this variant are not available in the literature. c.299+2T>C has not been observed in referenced population frequency databases. In summary, NM_000521.3(HEXB):c.299+2T>C is a variant in a canonical splice site in a gene where loss of function is a known mechanism of disease and is predicted to disrupt protein function. Please note: this variant was assessed in the context of healthy population screening.

NM_000521.4(HEXB):c.299+2T>C

Gene: HEXB (hexosaminidase subunit beta; plus strand). Cytogenetic location: 5q13.3.
Variant type: single nucleotide variant.
Coding change: c.299+2T>C on transcript NM_000521.4 (MANE Select); the canonical splice donor site of the intron after coding-DNA position 299, T replaced by C.
Molecular consequence: splice donor variant. On other transcripts: intron variant (1).
Genome position (GRCh38, 1-based): chr5:74,685,561, T>C. VCF-style: chr5-74685561-T-C. GRCh37 (hg19) VCF-style: chr5-73981386-T-C.
Other names: c.-376-3767T>C (NM_001292004.2).
Identifiers: ClinVar variation 5003441 (VCV005003441.1).